The following is an entry in ClinVar:

ClinVar aggregate classification (germline): Uncertain significance (1 of 4 stars; one submission).

Allele frequency attached by ClinVar (database versions not stated): gnomAD 0.00001.
gnomAD v4.1: 3 of 1,612,566 alleles (0.00019%); highest among the groups gnomAD compares: Non-Finnish European, 0.00025%; no homozygotes.

Submission:

Labcorp Genetics (formerly Invitae), Labcorp
Classification: Uncertain significance. Last evaluated: 2025-05-05. Review status: criteria provided, single submitter. Criteria: Invitae Variant Classification Sherloc (09022015). Collection method: clinical testing. Allele origin: germline.
Comment: This sequence change replaces alanine, which is neutral and non-polar, with aspartic acid, which is acidic and polar, at codon 70 of the CLUAP1 protein (p.Ala70Asp). This variant is not present in population databases (gnomAD no frequency). This variant has not been reported in the literature in individuals affected with CLUAP1-related conditions. ClinVar contains an entry for this variant (Variation ID: 1461603). Invitae Evidence Modeling of protein sequence and biophysical properties (such as structural, functional, and spatial information, amino acid conservation, physicochemical variation, residue mobility, and thermodynamic stability) indicates that this missense variant is expected to disrupt CLUAP1 protein function with a positive predictive value of 80%. In summary, the available evidence is currently insufficient to determine the role of this variant in disease. Therefore, it has been classified as a Variant of Uncertain Significance.

NM_015041.3(CLUAP1):c.209C>A (p.Ala70Asp)

Gene: CLUAP1 (clusterin associated protein 1; plus strand). Cytogenetic location: 16p13.3.
Variant type: single nucleotide variant.
Coding change: c.209C>A on transcript NM_015041.3 (MANE Select); coding-DNA position 209, C replaced by A.
Protein change: p.Ala70Asp; replaces alanine 70 with aspartic acid.
Molecular consequence: missense variant.
Genome position (GRCh38, 1-based): chr16:3,506,405, C>A. VCF-style: chr16-3506405-C-A. GRCh37 (hg19) VCF-style: chr16-3556405-C-A.
Other names: c.209C>A, p.Ala70Asp (NM_001330454.2); short protein forms A70D.
Identifiers: ClinVar variation 1461603 (VCV001461603.8), dbSNP rs2037507290, ClinGen allele CA394511027.